The following is an entry in ClinVar:

NM_003923.3(FOXH1):c.838T>G (p.Ser280Ala)

Gene: FOXH1 (forkhead box H1; minus strand). Cytogenetic location: 8q24.3.
Variant type: single nucleotide variant.
Coding change: c.838T>G on transcript NM_003923.3 (MANE Select); coding-DNA position 838, T replaced by G.
Protein change: p.Ser280Ala; replaces serine 280 with alanine.
Molecular consequence: missense variant.
Genome position (GRCh38, 1-based): chr8:144,474,498, A>C on the plus strand (T>G on the coding strand, the complement: FOXH1 is on the minus strand). VCF-style: chr8-144474498-A-C. GRCh37 (hg19) VCF-style: chr8-145699881-A-C.
Other names: short protein forms S280A.
Identifiers: ClinVar variation 3375833 (VCV003375833.1).

ClinVar aggregate classification (germline): Uncertain significance (1 of 4 stars; one submission).

Submission:

GeneDx
Classification: Uncertain significance. Last evaluated: 2024-05-01. Review status: criteria provided, single submitter. Criteria: GeneDx Variant Classification Process June 2021. Collection method: clinical testing. Allele origin: germline. Affected: yes.
Comment: Not observed at significant frequency in large population cohorts (gnomAD); In silico analysis indicates that this missense variant does not alter protein structure/function; Has not been previously published as pathogenic or benign to our knowledge